The following is an entry in ClinVar:

NC_000012.12:g.121626767C>T

Genes: ORAI1 (ORAI calcium release-activated calcium modulator 1; plus strand), LOC130008987 (ATAC-STARR-seq lymphoblastoid silent region 4981; plus strand). Cytogenetic location: 12q24.31.
Variant type: single nucleotide variant.
Genome position: GRCh38 VCF-style: chr12-121626767-C-T. GRCh37 (hg19) VCF-style: chr12-122064672-C-T.
Other names: c.25C>T, p.Pro9Ser (NM_032790.4); short protein forms P9S.
Identifiers: ClinVar variation 1021552 (VCV001021552.8), dbSNP rs868966101, ClinGen allele CA386980289.

ClinVar aggregate classification (germline): Uncertain significance. Review status: criteria provided, multiple submitters, no conflicts (2 of 4 stars). 2 submissions from 2 submitters: Uncertain significance (2). Last evaluated 2026-01-06.

Conditions:
Combined immunodeficiency due to ORAI1 deficiency. Also called: IMMUNODEFICIENCY 9. Identifiers: Orphanet 169090, Orphanet 317428, MedGen C2748568, MONDO:0013007, OMIM 612782.
Myopathy, tubular aggregate, 2 (TAM2). Identifiers: MedGen C4014557, MONDO:0014383, OMIM 615883.

Allele frequency attached by ClinVar (database versions not stated): TOPMed 0.00019; gnomAD 0.00030 and 0.00031.

Submissions (2):

Labcorp Genetics (formerly Invitae), Labcorp
Classification: Uncertain significance for Myopathy, tubular aggregate, 2; Combined immunodeficiency due to ORAI1 deficiency. Last evaluated: 2026-01-06. Review status: criteria provided, single submitter. Criteria: Invitae Variant Classification Sherloc (09022015). Collection method: clinical testing. Allele origin: germline.
Comment: This sequence change replaces proline, which is neutral and non-polar, with serine, which is neutral and polar, at codon 9 of the ORAI1 protein (p.Pro9Ser). This variant is not present in population databases (gnomAD no frequency). This variant has not been reported in the literature in individuals affected with ORAI1-related conditions. ClinVar contains an entry for this variant (Variation ID: 1021552). Experimental studies and prediction algorithms are not available or were not evaluated, and the functional significance of this variant is currently unknown. In summary, the available evidence is currently insufficient to determine the role of this variant in disease. Therefore, it has been classified as a Variant of Uncertain Significance.

Blueprint Genetics
Classification: Uncertain significance. Last evaluated: 2024-07-23. Review status: criteria provided, single submitter. Criteria: ACMG Guidelines, 2015. Collection method: clinical testing. Allele origin: germline.